The following is an entry in ClinVar:

ClinVar aggregate classification (germline): Uncertain significance (1 of 4 stars; one submission).

Conditions:
Progressive myoclonic epilepsy type 5. Identifiers: Orphanet 402082, MedGen C5190799.

Allele frequency attached by ClinVar (database versions not stated): ExAC 0.00006; TOPMed 0.00006; gnomAD exomes 0.00002 and 0.00004; gnomAD 0.00003 and 0.00004.
gnomAD v4.1: 30 of 1,614,108 alleles (0.0019%); highest among the groups gnomAD compares: African/African-American, 0.0093%; no homozygotes.

Submission:

Labcorp Genetics (formerly Invitae), Labcorp
Classification: Uncertain significance for Progressive myoclonic epilepsy type 5. Last evaluated: 2024-09-24. Review status: criteria provided, single submitter. Criteria: Invitae Variant Classification Sherloc (09022015). Collection method: clinical testing. Allele origin: germline.
Comment: This sequence change replaces alanine, which is neutral and non-polar, with threonine, which is neutral and polar, at codon 325 of the PRICKLE2 protein (p.Ala325Thr). This variant is present in population databases (rs760554761, gnomAD 0.009%). This variant has not been reported in the literature in individuals affected with PRICKLE2-related conditions. ClinVar contains an entry for this variant (Variation ID: 641433). Invitae Evidence Modeling of protein sequence and biophysical properties (such as structural, functional, and spatial information, amino acid conservation, physicochemical variation, residue mobility, and thermodynamic stability) has been performed for this missense variant. However, the output from this modeling did not meet the statistical confidence thresholds required to predict the impact of this variant on PRICKLE2 protein function. In summary, the available evidence is currently insufficient to determine the role of this variant in disease. Therefore, it has been classified as a Variant of Uncertain Significance.

NM_198859.4(PRICKLE2):c.973G>A (p.Ala325Thr)

Gene: PRICKLE2 (prickle planar cell polarity protein 2; minus strand). Cytogenetic location: 3p14.1.
Variant type: single nucleotide variant.
Coding change: c.973G>A on transcript NM_198859.4 (MANE Select); coding-DNA position 973, G replaced by A.
Protein change: p.Ala325Thr; replaces alanine 325 with threonine.
Molecular consequence: missense variant.
Genome position (GRCh38, 1-based): chr3:64,147,517, C>T on the plus strand (G>A on the coding strand, the complement: PRICKLE2 is on the minus strand). VCF-style: chr3-64147517-C-T. GRCh37 (hg19) VCF-style: chr3-64133193-C-T.
Other names: c.973G>A, p.Ala325Thr (NM_001370528.1); short protein forms A325T.
Identifiers: ClinVar variation 641433 (VCV000641433.8), dbSNP rs760554761, ClinGen allele CA2479712.